The following is an entry in ClinVar:

NM_004525.3(LRP2):c.5113G>T (p.Ala1705Ser)

Gene: LRP2 (LDL receptor related protein 2; minus strand). Cytogenetic location: 2q31.1.
Variant type: single nucleotide variant.
Coding change: c.5113G>T on transcript NM_004525.3 (MANE Select); coding-DNA position 5113, G replaced by T.
Protein change: p.Ala1705Ser; replaces alanine 1705 with serine.
Molecular consequence: missense variant.
Genome position (GRCh38, 1-based): chr2:169,231,828, C>A on the plus strand (G>T on the coding strand, the complement: LRP2 is on the minus strand). VCF-style: chr2-169231828-C-A. GRCh37 (hg19) VCF-style: chr2-170088338-C-A.
Other names: short protein forms A1705S.
Identifiers: ClinVar variation 2004929 (VCV002004929.4), dbSNP rs193082017, ClinGen allele CA349140722.

ClinVar aggregate classification (germline): Uncertain significance (1 of 4 stars; one submission).

Submission:

Labcorp Genetics (formerly Invitae), Labcorp
Classification: Uncertain significance. Last evaluated: 2022-06-14. Review status: criteria provided, single submitter. Criteria: Invitae Variant Classification Sherloc (09022015). Collection method: clinical testing. Allele origin: germline.
Comment: In summary, the available evidence is currently insufficient to determine the role of this variant in disease. Therefore, it has been classified as a Variant of Uncertain Significance. Advanced modeling of protein sequence and biophysical properties (such as structural, functional, and spatial information, amino acid conservation, physicochemical variation, residue mobility, and thermodynamic stability) performed at Invitae indicates that this missense variant is not expected to disrupt LRP2 protein function. This variant has not been reported in the literature in individuals affected with LRP2-related conditions. This variant is not present in population databases (gnomAD no frequency). This sequence change replaces alanine, which is neutral and non-polar, with serine, which is neutral and polar, at codon 1705 of the LRP2 protein (p.Ala1705Ser).